The following is an entry in ClinVar:

ClinVar aggregate classification (germline): Uncertain significance (1 of 4 stars; one submission).

Conditions:
Methylmalonic aciduria and homocystinuria type cblF. Also called: COBALAMIN F DISEASE; COBALAMIN, DEFECT IN LYSOSOMAL RELEASE OF; METHYLMALONIC ACIDEMIA AND HOMOCYSTINURIA, cblF TYPE; METHYLMALONIC ACIDURIA DUE TO VITAMIN B12-RELEASE DEFECT; VITAMIN B12 LYSOSOMAL RELEASE DEFECT; VITAMIN B12 STORAGE DISEASE. Identifiers: Orphanet 79284, MedGen C1848578, MONDO:0010183, OMIM 277380.

Submission:

Labcorp Genetics (formerly Invitae), Labcorp
Classification: Uncertain significance for Methylmalonic aciduria and homocystinuria type cblF. Last evaluated: 2026-01-14. Review status: criteria provided, single submitter. Criteria: Invitae Variant Classification Sherloc (09022015). Collection method: clinical testing. Allele origin: germline.
Comment: This sequence change replaces proline, which is neutral and non-polar, with serine, which is neutral and polar, at codon 166 of the LMBRD1 protein (p.Pro166Ser). This variant is not present in population databases (gnomAD no frequency). This variant has not been reported in the literature in individuals affected with LMBRD1-related conditions. Invitae Evidence Modeling of protein sequence and biophysical properties (such as structural, functional, and spatial information, amino acid conservation, physicochemical variation, residue mobility, and thermodynamic stability) indicates that this missense variant is not expected to disrupt LMBRD1 protein function with a negative predictive value of 80%. In summary, the available evidence is currently insufficient to determine the role of this variant in disease. Therefore, it has been classified as a Variant of Uncertain Significance.

NM_018368.4(LMBRD1):c.496C>T (p.Pro166Ser)

Gene: LMBRD1 (LMBR1 domain containing 1; minus strand). Cytogenetic location: 6q13.
Variant type: single nucleotide variant.
Coding change: c.496C>T on transcript NM_018368.4 (MANE Select); coding-DNA position 496, C replaced by T.
Protein change: p.Pro166Ser; replaces proline 166 with serine.
Molecular consequence: missense variant.
Genome position (GRCh38, 1-based): chr6:69,741,855, G>A on the plus strand (C>T on the coding strand, the complement: LMBRD1 is on the minus strand). VCF-style: chr6-69741855-G-A. GRCh37 (hg19) VCF-style: chr6-70451747-G-A.
Other names: c.277C>T, p.Pro93Ser (NM_001363722.2, NM_001367271.1, NM_001367272.1); short protein forms P166S, P93S.
Identifiers: ClinVar variation 4804166 (VCV004804166.1).